The following is an entry in ClinVar:

NM_006440.5(TXNRD2):c.238T>C (p.Trp80Arg)

Gene: TXNRD2 (thioredoxin reductase 2; minus strand). Cytogenetic location: 22q11.21.
Variant type: single nucleotide variant.
Coding change: c.238T>C on transcript NM_006440.5 (MANE Select); coding-DNA position 238, T replaced by C.
Protein change: p.Trp80Arg; replaces tryptophan 80 with arginine.
Molecular consequence: missense variant. On other transcripts: 5 prime UTR variant (1), non-coding transcript variant (1).
Genome position (GRCh38, 1-based): chr22:19,918,996, A>G on the plus strand (T>C on the coding strand, the complement: TXNRD2 is on the minus strand). VCF-style: chr22-19918996-A-G. GRCh37 (hg19) VCF-style: chr22-19906519-A-G.
Other names: c.238T>C, p.Trp80Arg (NM_001282512.3); c.235T>C, p.Trp79Arg (NM_001352300.2); c.148T>C, p.Trp50Arg (NM_001352301.2); c.-51T>C (NM_001352302.2); c.142T>C, p.Trp48Arg (NM_001352303.2); short protein forms W80R, W48R, W79R, W50R.
Identifiers: ClinVar variation 650248 (VCV000650248.9), dbSNP rs762714876, ClinGen allele CA10104281.

ClinVar aggregate classification (germline): Uncertain significance. Review status: criteria provided, multiple submitters, no conflicts (2 of 4 stars). 2 submissions from 2 submitters: Uncertain significance (2). Last evaluated 2022-09-19.

Conditions:
Cardiovascular phenotype. Identifiers: MedGen CN230736.
Primary dilated cardiomyopathy (DCM). Also called: Dilated Cardiomyopathy. Identifiers: Orphanet 217604, MedGen C0007193, MeSH D002311, MONDO:0005021, HP:0001644. Inheritance: Various modes of inheritance.

Allele frequency attached by ClinVar (database versions not stated): ExAC 0.00002; gnomAD exomes below 0.00001 and 0.00001.
gnomAD v4.1: 5 of 1,609,580 alleles (0.00031%); highest among the groups gnomAD compares: Non-Finnish European, 0.00042%; no homozygotes.

Submissions (2):

Ambry Genetics
Classification: Uncertain significance for Cardiovascular phenotype. Last evaluated: 2022-09-19. Review status: criteria provided, single submitter. Criteria: Ambry Variant Classification Scheme 2023. Collection method: clinical testing. Allele origin: germline.
Comment: The p.W80R variant (also known as c.238T>C), located in coding exon 4 of the TXNRD2 gene, results from a T to C substitution at nucleotide position 238. The tryptophan at codon 80 is replaced by arginine, an amino acid with dissimilar properties. This amino acid position is conserved. In addition, this alteration is predicted to be deleterious by in silico analysis. Since supporting evidence is limited at this time, the clinical significance of this alteration remains unclear.

Labcorp Genetics (formerly Invitae), Labcorp
Classification: Uncertain significance for Primary dilated cardiomyopathy. Last evaluated: 2018-09-21. Review status: criteria provided, single submitter. Criteria: Invitae Variant Classification Sherloc (09022015). Collection method: clinical testing. Allele origin: germline.
Comment: This sequence change replaces tryptophan with arginine at codon 80 of the TXNRD2 protein (p.Trp80Arg). The tryptophan residue is highly conserved and there is a moderate physicochemical difference between tryptophan and arginine. This variant is present in population databases (rs762714876, ExAC 0.003%). This variant has not been reported in the literature in individuals with TXNRD2-related disease. Algorithms developed to predict the effect of missense changes on protein structure and function are either unavailable or do not agree on the potential impact of this missense change (SIFT: "Deleterious"; PolyPhen-2: "Probably Damaging"; Align-GVGD: "Class C0"). In summary, the available evidence is currently insufficient to determine the role of this variant in disease. Therefore, it has been classified as a Variant of Uncertain Significance.